The following is an entry in ClinVar:

NC_000019.10:g.(?_1206908)_(1226652_?)del

Genes: STK11 (serine/threonine kinase 11; plus strand), LOC121627843 (Sharpr-MPRA regulatory region 9448; plus strand), LOC125371447 (Sharpr-MPRA regulatory region 13808; plus strand), LOC110006317 (serine/threonine kinase 11 intron 1 Alu-mediated recombination region; plus strand), LOC110006318 (serine/threonine kinase 11 intron 3 Alu-mediated recombination region; plus strand) and 4 more. Cytogenetic location: 19p13.3.
Variant type: Deletion.
Identifiers: ClinVar variation 267336 (VCV000267336.1).

ClinVar aggregate classification (germline): Pathogenic (1 of 4 stars; one submission).

Conditions:
Peutz-Jeghers syndrome (PJS). Also called: Peutz-Jeghers polyposis; Periorificial lentiginosis syndrome; POLYPOSIS, HAMARTOMATOUS INTESTINAL; POLYPS-AND-SPOTS SYNDROME. Identifiers: Orphanet 2869, MedGen C0031269, MeSH D010580, MONDO:0008280, OMIM 175200.

Submission:

Labcorp Genetics (formerly Invitae), Labcorp
Classification: Pathogenic for Peutz-Jeghers syndrome. Last evaluated: 2015-12-08. Review status: criteria provided, single submitter. Criteria: Invitae Variant Classification Sherloc (09022015). Collection method: clinical testing. Allele origin: germline.
Comment: A gross deletion of the genomic region encompassing the full coding sequence (exons 1-9) of the STK11 gene has been identified. Exon 10 is non-coding and is not covered by our assay. The boundaries of this event are unknown as the deletion extends beyond the assayed region for this gene and therefore may encompass additional genes. While this particular copy number variant has not been reported in the literature, gross deletions in STK11 are known to be pathogenic and similar deletions have been reported (PMID: 14970844, 20623358). For these reasons, this variant has been classified as Pathogenic.